The following is an entry in ClinVar:

NM_033337.3(CAV3):c.36G>T (p.Gln12His)

Gene: CAV3 (caveolin 3; plus strand). Cytogenetic location: 3p25.3.
Variant type: single nucleotide variant.
Coding change: c.36G>T on transcript NM_033337.3 (MANE Select); coding-DNA position 36, G replaced by T.
Protein change: p.Gln12His; replaces glutamine 12 with histidine.
Molecular consequence: missense variant.
Genome position (GRCh38, 1-based): chr3:8,733,912, G>T. VCF-style: chr3-8733912-G-T. GRCh37 (hg19) VCF-style: chr3-8775598-G-T.
Other names: c.36G>T, p.Gln12His (NM_001234.5); short protein forms Q12H.
Identifiers: ClinVar variation 526920 (VCV000526920.5), dbSNP rs1553613127, ClinGen allele CA351661295.

ClinVar aggregate classification (germline): Uncertain significance (1 of 4 stars; one submission).

Conditions:
Long QT syndrome (LQTS). Identifiers: MedGen C0023976, MeSH D008133, MONDO:0002442. Disease mechanism: loss of function. Inheritance: Various modes of inheritance.

Submission:

Labcorp Genetics (formerly Invitae), Labcorp
Classification: Uncertain significance for Long QT syndrome. Last evaluated: 2017-10-05. Review status: criteria provided, single submitter. Criteria: Invitae Variant Classification Sherloc (09022015). Collection method: clinical testing. Allele origin: germline.
Comment: In summary, the available evidence is currently insufficient to determine the role of this variant in disease. Therefore, it has been classified as a Variant of Uncertain Significance. Algorithms developed to predict the effect of missense changes on protein structure and function do not agree on the potential impact of this missense change (SIFT: "Deleterious"; PolyPhen-2: "Benign"; Align-GVGD: "Class C0"). This variant has not been reported in the literature in individuals with CAV3-related disease. This variant is not present in population databases (ExAC no frequency). This sequence change replaces glutamine with histidine at codon 12 of the CAV3 protein (p.Gln12His). The glutamine residue is weakly conserved and there is a small physicochemical difference between glutamine and histidine.